The following is an entry in ClinVar:

NM_004595.5(SMS):c.49+250C>A

Gene: SMS (spermine synthase; plus strand). Cytogenetic location: Xp22.11.
Variant type: single nucleotide variant.
Coding change: c.49+250C>A on transcript NM_004595.5 (MANE Select); 250 bases into the intron after coding-DNA position 49, C replaced by A.
Molecular consequence: intron variant.
Genome position (GRCh38, 1-based): chrX:21,941,123, C>A. VCF-style: chrX-21941123-C-A. GRCh37 (hg19) VCF-style: chrX-21959241-C-A.
Other names: c.49+250C>A (NM_001258423.2).
Identifiers: ClinVar variation 2579091 (VCV002579091.25), dbSNP rs1025847741, ClinGen allele CA327509210.

ClinVar aggregate classification (germline): Likely benign (1 of 4 stars; one submission).

Allele frequency attached by ClinVar (database versions not stated): 1000 Genomes Project 30x 0.00042; gnomAD 0.00090; TOPMed 0.00091.

Submission:

CeGaT Center for Human Genetics Tuebingen
Classification: Likely benign. Last evaluated: 2023-07-01. Review status: criteria provided, single submitter. Criteria: CeGaT Center For Human Genetics Tuebingen Variant Classification Criteria Version 2. Collection method: clinical testing. Allele origin: germline. Affected: yes. Observed: 5 variant alleles.
Comment: SMS: BS2